The following is an entry in ClinVar:

NC_000012.11:g.(?_49308167)_(49375423_?)del

Genes: ARF3 (ARF GTPase 3; minus strand), CCDC65 (coiled-coil domain containing 65; plus strand), FKBP11 (FKBP prolyl isomerase 11; minus strand), WNT1 (Wnt family member 1; plus strand), WNT10B (Wnt family member 10B; minus strand). Cytogenetic location: 12q13.12.
Variant type: Deletion.
Identifiers: ClinVar variation 3244386 (VCV003244386.1).

ClinVar aggregate classification (germline): Pathogenic (1 of 4 stars; one submission).

Submission:

Labcorp Genetics (formerly Invitae), Labcorp
Classification: Pathogenic. Last evaluated: 2024-01-16. Review status: criteria provided, single submitter. Criteria: Invitae Variant Classification Sherloc (09022015). Collection method: clinical testing. Allele origin: unknown.
Comment: A gross deletion of the genomic region encompassing the full coding sequence of the WNT1 gene has been identified. Loss-of-function variants in WNT1 are known to be pathogenic (PMID: 23434763, 23499309). The boundaries of this event are unknown as they extend beyond the assayed region for this gene and therefore may encompass additional genes. This variant has not been reported in the literature in individuals affected with WNT1-related conditions. For these reasons, this variant has been classified as Pathogenic.

Literature cited by the submitters: PubMed 23434763; PubMed 23499309.